The following is an entry in ClinVar:

NM_000057.4(BLM):c.2990A>T (p.Asp997Val)

Gene: BLM (BLM RecQ like helicase; plus strand). Cytogenetic location: 15q26.1.
Variant type: single nucleotide variant.
Coding change: c.2990A>T on transcript NM_000057.4 (MANE Select); coding-DNA position 2990, A replaced by T.
Protein change: p.Asp997Val; replaces aspartic acid 997 with valine.
Molecular consequence: missense variant.
Genome position (GRCh38, 1-based): chr15:90,790,815, A>T. VCF-style: chr15-90790815-A-T. GRCh37 (hg19) VCF-style: chr15-91334045-A-T.
Other names: c.2990A>T, p.Asp997Val (NM_001287246.2, NM_001287247.2); c.1865A>T, p.Asp622Val (NM_001287248.2); short protein forms D622V, D997V.
Identifiers: ClinVar variation 3659602 (VCV003659602.2).

ClinVar aggregate classification (germline): Uncertain significance (1 of 4 stars; one submission).

Conditions:
Bloom syndrome (BLM). Also called: Bloom-Torre-Machacek syndrome. Identifiers: Orphanet 125, MedGen C0005859, MONDO:0008876, OMIM 210900.

Submission:

Labcorp Genetics (formerly Invitae), Labcorp
Classification: Uncertain significance for Bloom syndrome. Last evaluated: 2024-07-16. Review status: criteria provided, single submitter. Criteria: Invitae Variant Classification Sherloc (09022015). Collection method: clinical testing. Allele origin: germline.
Comment: This sequence change replaces aspartic acid, which is acidic and polar, with valine, which is neutral and non-polar, at codon 997 of the BLM protein (p.Asp997Val). This variant is not present in population databases (gnomAD no frequency). This variant has not been reported in the literature in individuals affected with BLM-related conditions. Advanced modeling of protein sequence and biophysical properties (such as structural, functional, and spatial information, amino acid conservation, physicochemical variation, residue mobility, and thermodynamic stability) performed at Invitae indicates that this missense variant is expected to disrupt BLM protein function with a positive predictive value of 80%. In summary, the available evidence is currently insufficient to determine the role of this variant in disease. Therefore, it has been classified as a Variant of Uncertain Significance.